The following is an entry in ClinVar:

NM_177438.3(DICER1):c.574C>T (p.Leu192Phe)

Gene: DICER1 (dicer 1, ribonuclease III; minus strand). Cytogenetic location: 14q32.13.
Variant type: single nucleotide variant.
Coding change: c.574C>T on transcript NM_177438.3 (MANE Select); coding-DNA position 574, C replaced by T.
Protein change: p.Leu192Phe; replaces leucine 192 with phenylalanine.
Molecular consequence: missense variant.
Genome position (GRCh38, 1-based): chr14:95,129,632, G>A on the plus strand (C>T on the coding strand, the complement: DICER1 is on the minus strand). VCF-style: chr14-95129632-G-A. GRCh37 (hg19) VCF-style: chr14-95595969-G-A.
Other names: c.574C>T, p.Leu192Phe (NM_001195573.1, NM_001271282.3, NM_001291628.2 and 1 more transcripts); short protein forms L192F.
Identifiers: ClinVar variation 825941 (VCV000825941.15), dbSNP rs1595457308, ClinGen allele CA390888309.

ClinVar aggregate classification (germline): Uncertain significance. Review status: criteria provided, multiple submitters, no conflicts (2 of 4 stars). 2 submissions from 2 submitters: Uncertain significance (2). Last evaluated 2025-09-27.

Conditions:
DICER1-related tumor predisposition. Also called: DICER1-related pleuropulmonary blastoma cancer predisposition syndrome; DICER1 syndrome. Identifiers: Orphanet 284343, MedGen C3839822, MONDO:0100216.
Hereditary cancer-predisposing syndrome. Also called: Neoplastic Syndromes, Hereditary; Hereditary Cancer Syndrome; Hereditary neoplastic syndrome; Tumor predisposition. Identifiers: Orphanet 140162, MedGen C0027672, MeSH D009386, MONDO:0015356.

gnomAD v4.1: 1 of 1,610,348 alleles (0.000062%); highest among the groups gnomAD compares: Admixed American, 0.0017%; no homozygotes.

Submissions (2):

Labcorp Genetics (formerly Invitae), Labcorp
Classification: Uncertain significance for DICER1-related tumor predisposition. Last evaluated: 2025-09-27. Review status: criteria provided, single submitter. Criteria: Invitae Variant Classification Sherloc (09022015). Collection method: clinical testing. Allele origin: germline.
Comment: This sequence change replaces leucine, which is neutral and non-polar, with phenylalanine, which is neutral and non-polar, at codon 192 of the DICER1 protein (p.Leu192Phe). This variant is not present in population databases (gnomAD no frequency). This variant has not been reported in the literature in individuals affected with DICER1-related conditions. ClinVar contains an entry for this variant (Variation ID: 825941). Invitae Evidence Modeling of protein sequence and biophysical properties (such as structural, functional, and spatial information, amino acid conservation, physicochemical variation, residue mobility, and thermodynamic stability) indicates that this missense variant is not expected to disrupt DICER1 protein function with a negative predictive value of 95%. Studies have shown that this missense change is associated with inconclusive levels of altered splicing (internal data). In summary, the available evidence is currently insufficient to determine the role of this variant in disease. Therefore, it has been classified as a Variant of Uncertain Significance.

Ambry Genetics
Classification: Uncertain significance for Hereditary cancer-predisposing syndrome. Last evaluated: 2023-03-20. Review status: criteria provided, single submitter. Criteria: Ambry Variant Classification Scheme 2023. Collection method: clinical testing. Allele origin: germline.
Comment: The p.L192F variant (also known as c.574C>T) is located in coding exon 5 of the DICER1 gene. The leucine at codon 192 is replaced by phenylalanine, an amino acid with highly similar properties. This change occurs in the first base pair of coding exon 5. This amino acid position is not well conserved in available vertebrate species. In addition, this alteration is predicted to be tolerated by in silico analysis. Since supporting evidence is limited at this time, the clinical significance of this alteration remains unclear.